The following is an entry in ClinVar:

NM_001110354.2(ZP3):c.431+4G>A

Gene: ZP3 (zona pellucida glycoprotein 3; plus strand). Cytogenetic location: 7q11.23.
Variant type: single nucleotide variant.
Coding change: c.431+4G>A on transcript NM_001110354.2 (MANE Select); 4 bases into the intron after coding-DNA position 431, G replaced by A.
Molecular consequence: intron variant.
Genome position (GRCh38, 1-based): chr7:76,429,637, G>A. VCF-style: chr7-76429637-G-A. GRCh37 (hg19) VCF-style: chr7-76058954-G-A.
Other names: c.278+4G>A (NM_007155.6).
Identifiers: ClinVar variation 2673109 (VCV002673109.23), dbSNP rs565808076, ClinGen allele CA4307349.
Genomic context (GRCh38, chr7:76,429,637, plus strand): 5'-CCTGTCCATCGTGAGGACTAACCGCGCAGAGATTCCCATCGAGTGCCGCTACCCCAGGTC[G>A]GTGTGGGACTGACTCATGGCCCCTGGTGCAAAAGCCCCTTGGGTGTGGCTGCAGGCAAGT-3'

ClinVar aggregate classification (germline): Likely benign (1 of 4 stars; one submission).

Allele frequency attached by ClinVar (database versions not stated): ExAC 0.00002; TOPMed 0.00002; gnomAD 0.00003; gnomAD exomes 0.00003; 1000 Genomes Project 30x 0.00031; 1000 Genomes Project 0.00040.
gnomAD v4.1: 54 of 1,612,716 alleles (0.0033%); highest among the groups gnomAD compares: East Asian, 0.018%; no homozygotes.

Submission:

CeGaT Center for Human Genetics Tuebingen
Classification: Likely benign. Last evaluated: 2023-11-01. Review status: criteria provided, single submitter. Criteria: CeGaT Center For Human Genetics Tuebingen Variant Classification Criteria Version 2. Collection method: clinical testing. Allele origin: germline. Affected: yes. Observed: 1 variant allele.
Comment: ZP3: BP4, BS2